The following is an entry in ClinVar:

NM_001035.3(RYR2):c.10381A>G (p.Met3461Val)

Gene: RYR2 (ryanodine receptor 2; plus strand). Cytogenetic location: 1q43.
Variant type: single nucleotide variant.
Coding change: c.10381A>G on transcript NM_001035.3 (MANE Select); coding-DNA position 10381, A replaced by G.
Protein change: p.Met3461Val; replaces methionine 3461 with valine.
Molecular consequence: missense variant.
Genome position (GRCh38, 1-based): chr1:237,717,255, A>G. VCF-style: chr1-237717255-A-G. GRCh37 (hg19) VCF-style: chr1-237880555-A-G.
Other names: c.10381A>G, p.Met3461Val (LRG_402t1); short protein forms M3461V.
Identifiers: ClinVar variation 191545 (VCV000191545.26), dbSNP rs147512481, ClinGen allele CA006626.
Genomic context (GRCh38, chr1:237,717,255, plus strand): 5'-TAGGCAGCTGTTTCTGATCAGGAAAGGAAGAAAATGAAGCGCAAAGGAGATCGGTATTCC[A>G]TGCAGACCTCTCTGATTGTAGCAGCTCTGAAGCGGTTACTGCCCATTGGGTTGAACATCT-3'
Protein context (NP_001026.2, residues 3451-3471): KMKRKGDRYS[Met3461Val]QTSLIVAALK

ClinVar aggregate classification (germline): Benign/Likely benign. Review status: criteria provided, multiple submitters, no conflicts (2 of 4 stars). 10 submissions from 10 submitters: Benign (1); Likely benign (8). 1 of the submissions does not count toward it. Last evaluated 2026-01-19.

Conditions:
Cardiovascular phenotype. Identifiers: MedGen CN230736.
RYR2-related disorder. Also called: RYR2-related condition.
Cardiomyopathy (CMYO). Also called: Cardiomyopathies. Identifiers: Orphanet 167848, MedGen C0878544, MONDO:0004994, HP:0001638. Inheritance: Various modes of inheritance.
Catecholaminergic polymorphic ventricular tachycardia 1. Also called: VENTRICULAR TACHYCARDIA, STRESS-INDUCED POLYMORPHIC 1; VENTRICULAR TACHYCARDIA, CATECHOLAMINERGIC POLYMORPHIC, 1, WITH OR WITHOUT ATRIAL DYSFUNCTION AND/OR DILATED CARDIOMYOPATHY; RYR2-Related Catecholaminergic Polymorphic Ventricular Tachycardia. Identifiers: Orphanet 3286, MedGen C1631597, MONDO:0011484, OMIM 604772.

Allele frequency attached by ClinVar (database versions not stated): gnomAD exomes 0.00005 and 0.00013; ExAC 0.00014; gnomAD 0.00037 and 0.00038; TOPMed 0.00047; ESP Exome Variant Server 0.00058; 1000 Genomes Project 30x 0.00078; 1000 Genomes Project 0.00080.
gnomAD v4.1: 132 of 1,613,760 alleles (0.0082%); highest among the groups gnomAD compares: African/African-American, 0.15%; no homozygotes.

Submissions (10):

Labcorp Genetics (formerly Invitae), Labcorp
Classification: Likely benign for Catecholaminergic polymorphic ventricular tachycardia 1. Last evaluated: 2026-01-19. Review status: criteria provided, single submitter. Criteria: Invitae Variant Classification Sherloc (09022015). Collection method: clinical testing. Allele origin: germline.

Molecular Diagnostic Laboratory for Inherited Cardiovascular Disease, Montreal Heart Institute
Classification: Likely benign. Last evaluated: 2025-07-24. Review status: criteria provided, single submitter. Criteria: ACMG Guidelines, 2015. Collection method: clinical testing. Allele origin: germline. Affected: no.
Comment: BS1;BP6

ARUP Laboratories, Molecular Genetics and Genomics, ARUP Laboratories
Classification: Likely benign. Last evaluated: 2025-04-02. Review status: criteria provided, single submitter. Criteria: ARUP Molecular Germline Variant Investigation Process 2024. Collection method: clinical testing. Allele origin: germline.

GeneDx
Classification: Likely benign. Last evaluated: 2020-02-20. Review status: criteria provided, single submitter. Criteria: GeneDx Variant Classification Process June 2021. Collection method: clinical testing. Allele origin: germline. Affected: yes.

Ambry Genetics
Classification: Likely benign for Cardiovascular phenotype. Last evaluated: 2020-01-28. Review status: criteria provided, single submitter. Criteria: Ambry Variant Classification Scheme 2023. Collection method: clinical testing. Allele origin: germline.

Women's Health and Genetics/Laboratory Corporation of America, LabCorp
Classification: Benign. Last evaluated: 2019-10-15. Review status: criteria provided, single submitter. Criteria: LabCorp Variant Classification Summary - May 2015. Collection method: clinical testing. Allele origin: germline.
Comment: Variant summary: RYR2 c.10381A>G (p.Met3461Val) results in a conservative amino acid change in the encoded protein sequence. Five of five in-silico tools predict a benign effect of the variant on protein function. The variant allele was found at a frequency of 0.00013 in 248876 control chromosomes, predominantly at a frequency of 0.0018 within the African or African-American subpopulation in the gnomAD database. The observed variant frequency within African or African-American control individuals in the gnomAD database is approximately 72 fold of the estimated maximal expected allele frequency for a pathogenic variant in RYR2 causing Cardiomyopathy phenotype (2.5e-05), strongly suggesting that the variant is a benign polymorphism found primarily in populations of African or African-American origin. c.10381A>G has been reported in the literature in individuals with limited information (Ng_2013, Landstrom_2017). These reports do not provide unequivocal conclusions about association of the variant with Cardiomyopathy. Three ClinVar submissions (evaluation after 2014) cite the variant twice as likely benign and once as uncertain significance. Based on the evidence outlined above, the variant was classified as benign.

Color Diagnostics, LLC DBA Color Health
Classification: Likely benign for Cardiomyopathy. Last evaluated: 2018-12-10. Review status: criteria provided, single submitter. Criteria: ACMG Guidelines, 2015. Collection method: clinical testing. Allele origin: germline.

Blueprint Genetics
Classification: Likely benign. Last evaluated: 2018-08-03. Review status: criteria provided, single submitter. Criteria: ACMG Guidelines, 2015. Collection method: clinical testing. Allele origin: germline.

Biesecker Lab/Clinical Genomics Section, National Institutes of Health
Classification: Likely benign. Last evaluated: 2013-06-24. Review status: criteria provided, single submitter. Criteria: Ng et al. (Circ Cardiovasc Genet. 2013). Collection method: research. Allele origin: unknown. Observed: 1 variant allele. Study: ClinSeq.
Comment: The study set was not selected for affection status in relation to any cancer. Pathogenicity categories were based on literature curation. See Pubmed ID:23861362 for details.

Medical sequencing

PreventionGenetics, part of Exact Sciences
Classification: Likely benign for RYR2-related condition. Last evaluated: 2024-04-17. Review status: no assertion criteria provided. Collection method: clinical testing. Allele origin: germline. Not counted in ClinVar's aggregate classification.
Comment: This variant is classified as likely benign based on ACMG/AMP sequence variant interpretation guidelines (Richards et al. 2015 PMID: 25741868, with internal and published modifications).

Literature cited by the submitters: PubMed 23861362 (cited by Ambry Genetics and Women's Health and Genetics/Laboratory Corporation of America, LabCorp); PubMed 28404607 (cited by Women's Health and Genetics/Laboratory Corporation of America, LabCorp).